The following is an entry in ClinVar:

NM_032119.4(ADGRV1):c.17371A>G (p.Thr5791Ala)

Gene: ADGRV1 (adhesion G protein-coupled receptor V1; plus strand). Cytogenetic location: 5q14.3.
Variant type: single nucleotide variant.
Coding change: c.17371A>G on transcript NM_032119.4 (MANE Select); coding-DNA position 17371, A replaced by G.
Protein change: p.Thr5791Ala; replaces threonine 5791 with alanine.
Molecular consequence: missense variant. On other transcripts: non-coding transcript variant (1).
Genome position (GRCh38, 1-based): chr5:90,853,450, A>G. VCF-style: chr5-90853450-A-G. GRCh37 (hg19) VCF-style: chr5-90149267-A-G.
Other names: short protein forms T5791A.
Identifiers: ClinVar variation 2664238 (VCV002664238.1), dbSNP rs1681176533, ClinGen allele CA360430210.

ClinVar aggregate classification (germline): Uncertain significance (1 of 4 stars; one submission).

Conditions:
Febrile seizures, familial, 4 (FEB4). Also called: CONVULSIONS, FAMILIAL FEBRILE, 4. Identifiers: MedGen C1858493, MONDO:0011443, OMIM 604352.

Allele frequency attached by ClinVar (database versions not stated): TOPMed below 0.00001.

Submission:

Neuberg Centre For Genomic Medicine, NCGM
Classification: Uncertain significance for Febrile seizures, familial, 4. Last evaluated: 2023-01-24. Review status: criteria provided, single submitter. Criteria: ACMG Guidelines, 2015. Collection method: clinical testing. Allele origin: germline. Inheritance: Autosomal dominant inheritance. Affected: yes.
Comment: The missense c.17371A>G (p.Thr5791Ala) variant in ADGRV1 gene has not been reported previously as a pathogenic variant nor as a benign variant, to our knowledge. The p.Thr5791Ala variant is novel (not in any individuals) in both gnomAD Exomes and 1000 Genomes databases. This variant has not been reported to the ClinVar database. The amino acid change p.Thr5791Ala in ADGRV1 is predicted as conserved by PhyloP across 100 vertebrates. The amino acid Thr at position 5791 is changed to a Ala changing protein sequence and it might alter its composition and physico-chemical properties. For these reasons, this variant has been classified as a Variant of Uncertain Significance (VUS).